The following is an entry in ClinVar:

ClinVar aggregate classification (germline): Uncertain significance (3 of 4 stars; one submission).

Conditions:
Monogenic diabetes. Identifiers: Orphanet 183625, MedGen C3888631, MONDO:0015967.

Submission:

ClinGen Monogenic Diabetes Variant Curation Expert Panel
Classification: Uncertain significance for Monogenic diabetes. Last evaluated: 2025-09-02. Review status: reviewed by expert panel. Criteria: ClinGen Diabetes ACMG Specifications HNF4A V3.0.0. Collection method: curation. Allele origin: germline. Inheritance: Autosomal dominant inheritance.
Comment: The c.-136A>C variant in the hepatocyte nuclear factor 4-alpha gene, HNF4A, is a single nucleotide variant within the promoter of NM_175914.5. This variant is absent from gnomAD v2.1.1 and v4.1.0 (PM2_Supporting). This variant is located within the HNF6/OC2 binding site of the promoter (c.-132 to c.-141) of HNF4A, which is defined as critical for the protein’s function by the ClinGen MDEP (PM1_Supporting). In summary, c.-136A>C meets the criteria to be classified as a variant of uncertain significance for monogenic diabetes. ACMG/AMP criteria applied, as specified by the ClinGen MDEP VCEP (specification version 3.0.0; approved 6/30/2025): PM1_Supporting, PM2_Supporting.

NC_000020.11:g.44355669A>C

Gene: HNF4A (hepatocyte nuclear factor 4 alpha; plus strand). Cytogenetic location: 20q13.12.
Variant type: single nucleotide variant.
Genome position: GRCh38 VCF-style: chr20-44355669-A-C. GRCh37 (hg19) VCF-style: chr20-42984309-A-C.
Identifiers: ClinVar variation 4077387 (VCV004077387.1).